The following is an entry in ClinVar:

ClinVar aggregate classification (germline): Uncertain significance (1 of 4 stars; one submission).

Submission:

Labcorp Genetics (formerly Invitae), Labcorp
Classification: Uncertain significance. Last evaluated: 2022-03-01. Review status: criteria provided, single submitter. Criteria: Invitae Variant Classification Sherloc (09022015). Collection method: clinical testing. Allele origin: germline.
Comment: In summary, the available evidence is currently insufficient to determine the role of this variant in disease. Therefore, it has been classified as a Variant of Uncertain Significance. A similar copy number variant has been observed in individual(s) with autosomal recessive retinitis pigmentosa (PMID: 21519034). This variant results in a copy number gain of the genomic region encompassing exon(s) 3-4 of the EYS gene. This region includes the initiator codon of the gene. This copy number gain extends beyond the assayed region for this gene and therefore may encompass additional genes. As the precise location of this event is unknown, it may be in tandem or it may be located elsewhere in the genome.

Literature cited by the submitters: PubMed 21519034.

NC_000006.11:g.(?_66204536)_(66205886_?)dup

Gene: EYS (eyes shut homolog; minus strand). Cytogenetic location: 6q12.
Variant type: Duplication.
Identifiers: ClinVar variation 2423859 (VCV002423859.4).